The following is an entry in ClinVar:

NM_003000.3(SDHB):c.540+5T>G

Gene: SDHB (succinate dehydrogenase complex iron sulfur subunit B; minus strand). Cytogenetic location: 1p36.13.
Variant type: single nucleotide variant.
Coding change: c.540+5T>G on transcript NM_003000.3 (MANE Select); 5 bases into the intron after coding-DNA position 540, T replaced by G.
Molecular consequence: intron variant.
Genome position (GRCh38, 1-based): chr1:17,027,744, A>C on the plus strand (T>G on the coding strand, the complement: SDHB is on the minus strand). VCF-style: chr1-17027744-A-C. GRCh37 (hg19) VCF-style: chr1-17354239-A-C.
Identifiers: ClinVar variation 2009904 (VCV002009904.4), dbSNP rs1557741072, ClinGen allele CA2580060646.
Genomic context (GRCh38, chr1:17,027,744, plus strand): 5'-ACACTCCTGGCAATCATCTTTGCAATAAATTCTTCAGATTGAAACAATAAATAGGGACTA[A>C]TGACCAGTTTCTCACGCTCTTCTATGGACTGCAGATACTGCTGCTTGCCTTCCTGAGATT-3'

ClinVar aggregate classification (germline): Uncertain significance (1 of 4 stars; one submission).

Conditions:
Pheochromocytoma. Also called: MAX-Related Hereditary Paraganglioma-Pheochromocytoma Syndrome. Identifiers: Orphanet 29072, MedGen C0031511, MONDO:0008233, OMIM 171300, HP:0002666.
Gastrointestinal stromal tumor. Also called: Gastrointestinal stroma tumor; Gastrointestinal stromal tumor, somatic. Identifiers: Orphanet 44890, MedGen C0238198, MeSH D046152, MONDO:0011719, OMIM 606764, HP:0100723.
Pheochromocytoma/paraganglioma syndrome 4. Also called: CAROTID BODY TUMORS AND MULTIPLE EXTRAADRENAL PHEOCHROMOCYTOMAS; PARAGANGLIOMA, FAMILIAL MALIGNANT; PARAGANGLIOMAS, HEREDITARY EXTRAADRENAL; PHEOCHROMOCYTOMA, FAMILIAL EXTRAADRENAL; Paragangliomas 4; SDHB-Related Hereditary Paraganglioma-Pheochromocytoma Syndrome (Paragangliomas 4). Identifiers: Orphanet 29072, MedGen C1861848, MONDO:0007273, OMIM 115310.

Submission:

Labcorp Genetics (formerly Invitae), Labcorp
Classification: Uncertain significance for Gastrointestinal stromal tumor; Pheochromocytoma/paraganglioma syndrome 4; Pheochromocytoma. Last evaluated: 2022-06-23. Review status: criteria provided, single submitter. Criteria: Invitae Variant Classification Sherloc (09022015). Collection method: clinical testing. Allele origin: germline.
Comment: In summary, the available evidence is currently insufficient to determine the role of this variant in disease. Therefore, it has been classified as a Variant of Uncertain Significance. Variants that disrupt the consensus splice site are a relatively common cause of aberrant splicing (PMID: 17576681, 9536098). Algorithms developed to predict the effect of sequence changes on RNA splicing suggest that this variant may disrupt the consensus splice site. This variant has not been reported in the literature in individuals affected with SDHB-related conditions. This variant is not present in population databases (gnomAD no frequency). This sequence change falls in intron 5 of the SDHB gene. It does not directly change the encoded amino acid sequence of the SDHB protein. It affects a nucleotide within the consensus splice site.

Literature cited by the submitters: PubMed 17576681; PubMed 9536098.